The following is an entry in ClinVar:

ClinVar aggregate classification (germline): Benign (1 of 4 stars; one submission).

Allele frequency attached by ClinVar (database versions not stated): 1000 Genomes Project 0.00719; 1000 Genomes Project 30x 0.00828; ExAC 0.01364; TOPMed 0.01463; gnomAD 0.01493; ESP Exome Variant Server 0.01668; gnomAD exomes 0.02187.
gnomAD v4.1: 33,926 of 1,614,122 alleles (2.1%); highest among the groups gnomAD compares: Middle Eastern, 3%; 413 homozygotes.

Submission:

CeGaT Center for Human Genetics Tuebingen
Classification: Benign. Last evaluated: 2026-09-01. Review status: criteria provided, single submitter. Criteria: CeGaT Center For Human Genetics Tuebingen Variant Classification Criteria Version 2. Collection method: clinical testing. Allele origin: germline. Affected: yes. Observed: 10 variant alleles.
Comment: YIPF5: BP4, BS1, BS2

NM_030799.9(YIPF5):c.227C>T (p.Ala76Val)

Gene: YIPF5 (Yip1 domain family member 5; minus strand). Cytogenetic location: 5q31.3.
Variant type: single nucleotide variant.
Coding change: c.227C>T on transcript NM_030799.9 (MANE Select); coding-DNA position 227, C replaced by T.
Protein change: p.Ala76Val; replaces alanine 76 with valine.
Molecular consequence: missense variant.
Genome position (GRCh38, 1-based): chr5:144,165,488, G>A on the plus strand (C>T on the coding strand, the complement: YIPF5 is on the minus strand). VCF-style: chr5-144165488-G-A. GRCh37 (hg19) VCF-style: chr5-143545052-G-A.
Other names: c.227C>T, p.Ala76Val (NM_001024947.4); c.65C>T, p.Ala22Val (NM_001271732.2); short protein forms A22V, A76V.
Identifiers: ClinVar variation 2655875 (VCV002655875.24), dbSNP rs35429531, ClinGen allele CA3487349.